The following is an entry in ClinVar:

ClinVar aggregate classification (germline): Likely pathogenic (1 of 4 stars; one submission).

Conditions:
Peroxisome biogenesis disorder 11A (Zellweger). Also called: Peroxisome biogenesis disorder 11A. Identifiers: Orphanet 912, MedGen C3554000, MONDO:0013949, OMIM 614883.

Submission:

Labcorp Genetics (formerly Invitae), Labcorp
Classification: Likely pathogenic for Peroxisome biogenesis disorder 11A (Zellweger). Last evaluated: 2023-08-02. Review status: criteria provided, single submitter. Criteria: Invitae Variant Classification Sherloc (09022015). Collection method: clinical testing. Allele origin: germline.
Comment: In summary, the currently available evidence indicates that the variant is pathogenic, but additional data are needed to prove that conclusively. Therefore, this variant has been classified as Likely Pathogenic. Algorithms developed to predict the effect of sequence changes on RNA splicing suggest that this variant may disrupt the consensus splice site. This variant has not been reported in the literature in individuals affected with PEX13-related conditions. This variant is not present in population databases (gnomAD no frequency). This sequence change affects a donor splice site in intron 1 of the PEX13 gene. It is expected to disrupt RNA splicing. Variants that disrupt the donor or acceptor splice site typically lead to a loss of protein function (PMID: 16199547), and loss-of-function variants in PEX13 are known to be pathogenic (PMID: 10332040, 21031596).

Literature cited by the submitters: PubMed 16199547; PubMed 10332040; PubMed 21031596.

NM_002618.4(PEX13):c.92+1G>A

Genes: PEX13 (peroxisomal biogenesis factor 13; plus strand), PUS10 (pseudouridine synthase 10; minus strand). Cytogenetic location: 2p15.
Variant type: single nucleotide variant.
Coding change: c.92+1G>A on transcript NM_002618.4 (MANE Select); the canonical splice donor site of the intron after coding-DNA position 92, G replaced by A.
Molecular consequence: splice donor variant. On other transcripts: intron variant (2).
Genome position (GRCh38, 1-based): chr2:61,017,852, G>A. VCF-style: chr2-61017852-G-A. GRCh37 (hg19) VCF-style: chr2-61244987-G-A.
Other names: c.-16+156C>T (NM_144709.4); c.-623+156C>T (NM_001322127.1).
Identifiers: ClinVar variation 2749264 (VCV002749264.3), dbSNP rs371266088, ClinGen allele CA346937409.